The following is an entry in ClinVar:

ClinVar aggregate classification (germline): Uncertain significance (1 of 4 stars; one submission).

Conditions:
Charcot-Marie-Tooth disease axonal type 2C (HMSN2C). Also called: Charcot-Marie-Tooth Disease Type 2, TRPV4-Related (CMT2C); CHARCOT-MARIE-TOOTH DISEASE, AXONAL, AUTOSOMAL DOMINANT, TYPE 2C; Charcot-Marie-Tooth Neuropathy Type 2C. Identifiers: Orphanet 99937, MedGen C1853710, MONDO:0011633, OMIM 606071.

Submission:

Labcorp Genetics (formerly Invitae), Labcorp
Classification: Uncertain significance for Charcot-Marie-Tooth disease axonal type 2C. Last evaluated: 2025-10-26. Review status: criteria provided, single submitter. Criteria: Invitae Variant Classification Sherloc (09022015). Collection method: clinical testing. Allele origin: germline.
Comment: This sequence change replaces proline, which is neutral and non-polar, with alanine, which is neutral and non-polar, at codon 230 of the TRPV4 protein (p.Pro230Ala). This variant is not present in population databases (gnomAD no frequency). This variant has not been reported in the literature in individuals affected with TRPV4-related conditions. Invitae Evidence Modeling of protein sequence and biophysical properties (such as structural, functional, and spatial information, amino acid conservation, physicochemical variation, residue mobility, and thermodynamic stability) indicates that this missense variant is expected to disrupt TRPV4 protein function with a positive predictive value of 95%. In summary, the available evidence is currently insufficient to determine the role of this variant in disease. Therefore, it has been classified as a Variant of Uncertain Significance.

NM_021625.5(TRPV4):c.688C>G (p.Pro230Ala)

Gene: TRPV4 (transient receptor potential cation channel subfamily V member 4; minus strand). Cytogenetic location: 12q24.11.
Variant type: single nucleotide variant.
Coding change: c.688C>G on transcript NM_021625.5 (MANE Select); coding-DNA position 688, C replaced by G.
Protein change: p.Pro230Ala; replaces proline 230 with alanine.
Molecular consequence: missense variant.
Genome position (GRCh38, 1-based): chr12:109,803,015, G>C on the plus strand (C>G on the coding strand, the complement: TRPV4 is on the minus strand). VCF-style: chr12-109803015-G-C. GRCh37 (hg19) VCF-style: chr12-110240820-G-C.
Other names: c.688C>G, p.Pro230Ala (NM_001177428.2, NM_001177433.2, NM_147204.3); c.586C>G, p.Pro196Ala (NM_001177431.2); short protein forms P196A, P230A.
Identifiers: ClinVar variation 4803077 (VCV004803077.1).